The following is an entry in ClinVar:

NM_005585.5(SMAD6):c.425_426delinsTT (p.Ser142Ile)

Gene: SMAD6 (SMAD family member 6; plus strand). Cytogenetic location: 15q22.31.
Variant type: Indel.
Coding change: c.425_426delinsTT on transcript NM_005585.5 (MANE Select); coding-DNA positions 425 to 426, GC replaced by TT.
Protein change: p.Ser142Ile; replaces serine 142 with isoleucine.
Molecular consequence: missense variant. On other transcripts: non-coding transcript variant (1).
Genome position (GRCh38, 1-based): chr15:66,703,683-66,703,684, GC replaced by TT. VCF-style: chr15-66703683-GC-TT. GRCh37 (hg19) VCF-style: chr15-66996021-GC-TT.
Other names: short protein forms S142I.
Identifiers: ClinVar variation 2993174 (VCV002993174.3), dbSNP rs2545311697, ClinGen allele CA2740096726.
Genomic context (GRCh38, chr15:66,703,683, plus strand): 5'-AGACGGTGACCTGCTGTCTCTTTTCGGAGCGGGACGCCGCCGGCGCGCCCCGGGACGCCA[GC>TT]GACCCCCTGGCCGGGGCGGCCCTGGAGCCGGCGGGCGGCGGGCGGAGTCGCGAAGCGCGC-3'
Protein context (NP_005576.3, residues 132-152): RDAAGAPRDA[Ser142Ile]DPLAGAALEP

ClinVar aggregate classification (germline): Uncertain significance (1 of 4 stars; one submission).

Conditions:
Aortic valve disease 2 (AOVD2). Identifiers: MedGen C3542024, MONDO:0013902, OMIM 614823.

Submission:

Labcorp Genetics (formerly Invitae), Labcorp
Classification: Uncertain significance for Aortic valve disease 2. Last evaluated: 2023-06-10. Review status: criteria provided, single submitter. Criteria: Invitae Variant Classification Sherloc (09022015). Collection method: clinical testing. Allele origin: germline.
Comment: In summary, the available evidence is currently insufficient to determine the role of this variant in disease. Therefore, it has been classified as a Variant of Uncertain Significance. An algorithm developed to predict the effect of missense changes on protein structure and function (PolyPhen-2) suggests that this variant is likely to be tolerated. This variant has not been reported in the literature in individuals affected with SMAD6-related conditions. This variant is present in population databases (no rsID available, gnomAD 0.003%). This sequence change replaces serine, which is neutral and polar, with isoleucine, which is neutral and non-polar, at codon 142 of the SMAD6 protein (p.Ser142Ile).